The following is an entry in ClinVar:

ClinVar aggregate classification (germline): Uncertain significance (1 of 4 stars; one submission).

Conditions:
Niemann-Pick disease, type C1. Also called: NIEMANN-PICK DISEASE, VARIANT TYPE C1; NEUROVISCERAL STORAGE DISEASE WITH VERTICAL SUPRANUCLEAR OPHTHALMOPLEGIA; NIEMANN-PICK DISEASE WITH CHOLESTEROL ESTERIFICATION BLOCK; NIEMANN-PICK DISEASE WITHOUT SPHINGOMYELINASE DEFICIENCY; NIEMANN-PICK DISEASE, CHRONIC NEURONOPATHIC FORM. Identifiers: Orphanet 646, MedGen C3179455, MONDO:0009757, OMIM 257220.

Submission:

Labcorp Genetics (formerly Invitae), Labcorp
Classification: Uncertain significance for Niemann-Pick disease, type C1. Last evaluated: 2021-10-14. Review status: criteria provided, single submitter. Criteria: Invitae Variant Classification Sherloc (09022015). Collection method: clinical testing. Allele origin: germline.
Comment: This sequence change replaces phenylalanine with serine at codon 345 of the NPC1 protein (p.Phe345Ser). The phenylalanine residue is highly conserved and there is a large physicochemical difference between phenylalanine and serine. This variant is not present in population databases (ExAC no frequency). This variant has not been reported in the literature in individuals affected with NPC1-related conditions. Advanced modeling of protein sequence and biophysical properties (such as structural, functional, and spatial information, amino acid conservation, physicochemical variation, residue mobility, and thermodynamic stability) performed at Invitae indicates that this missense variant is expected to disrupt NPC1 protein function. In summary, the available evidence is currently insufficient to determine the role of this variant in disease. Therefore, it has been classified as a Variant of Uncertain Significance.

NM_000271.5(NPC1):c.1034T>C (p.Phe345Ser)

Gene: NPC1 (NPC intracellular cholesterol transporter 1; minus strand). Cytogenetic location: 18q11.2.
Variant type: single nucleotide variant.
Coding change: c.1034T>C on transcript NM_000271.5 (MANE Select); coding-DNA position 1034, T replaced by C.
Protein change: p.Phe345Ser; replaces phenylalanine 345 with serine.
Molecular consequence: missense variant.
Genome position (GRCh38, 1-based): chr18:23,556,535, A>G on the plus strand (T>C on the coding strand, the complement: NPC1 is on the minus strand). VCF-style: chr18-23556535-A-G. GRCh37 (hg19) VCF-style: chr18-21136499-A-G.
Other names: short protein forms F345S.
Identifiers: ClinVar variation 1460669 (VCV001460669.5), dbSNP rs1303376855, ClinGen allele CA401778761.
Genomic context (GRCh38, chr18:23,556,535, plus strand): 5'-GAACACGCAGTAATGAAGACCAGCGAGAAGAAAATGACACAGCCAGGGTTTCGGACGCAG[A>G]AAGACCCCCAGCGTGTGAACAGCCGCCTCAAGCAGCCCTCAAATGCTGCGCTGACAGGGT-3'
Protein context (NP_000262.2, residues 335-355): LRRLFTRWGS[Phe345Ser]CVRNPGCVIF